The following is an entry in ClinVar:

NM_001378615.1(CC2D2A):c.3458T>C (p.Ile1153Thr)

Genes: CC2D2A (coiled-coil and C2 domain containing 2A; plus strand), FBXL5 (F-box and leucine rich repeat protein 5; minus strand). Cytogenetic location: 4p15.32.
Variant type: single nucleotide variant.
Coding change: c.3458T>C on transcript NM_001378615.1 (MANE Select); coding-DNA position 3458, T replaced by C.
Protein change: p.Ile1153Thr; replaces isoleucine 1153 with threonine.
Molecular consequence: missense variant.
Genome position (GRCh38, 1-based): chr4:15,569,352, T>C. VCF-style: chr4-15569352-T-C. GRCh37 (hg19) VCF-style: chr4-15570975-T-C.
Other names: c.3458T>C, p.Ile1153Thr (NM_001080522.2); c.3311T>C, p.Ile1104Thr (NM_001378617.1); short protein forms I1104T, I1153T.
Identifiers: ClinVar variation 1211546 (VCV001211546.8), dbSNP rs1410133502, ClinGen allele CA356420212.
Genomic context (GRCh38, chr4:15,569,352, plus strand): 5'-GGGCTCCTAATGGAGATTATAGCACAGCCAGTCTGCAGTCAGTGAAAGATGTTGTGTTCA[T>C]TAACATTTTTGATGAAGTACTGCATGATGTCTTAGAGGTAAGTTCTCAGTTTTAAGAAAG-3'
Protein context (NP_001365544.1, residues 1143-1163): SLQSVKDVVF[Ile1153Thr]NIFDEVLHDV

ClinVar aggregate classification (germline): Conflicting classifications of pathogenicity. Review status: criteria provided, conflicting classifications (1 of 4 stars). 2 submissions from 2 submitters: Likely pathogenic (1); Uncertain significance (1). Last evaluated 2021-09-01.

Conditions:
Joubert syndrome. Also called: JOUBERT-BOLTSHAUSER SYNDROME; Familial aplasia of the vermis. Identifiers: Orphanet 475, MedGen C5979921, MONDO:0018772.
Meckel-Gruber syndrome. Also called: DYSENCEPHALIA SPLANCHNOCYSTICA; GRUBER SYNDROME; Dysencephalia splachnocystica. Identifiers: Orphanet 564, MedGen C0265215, MONDO:0018921.

Allele frequency attached by ClinVar (database versions not stated): gnomAD exomes below 0.00001; TOPMed below 0.00001; gnomAD 0.00001.
gnomAD v4.1: 4 of 1,580,262 alleles (0.00025%); highest among the groups gnomAD compares: Non-Finnish European, 0.00034%; no homozygotes.

Submissions (2):

Labcorp Genetics (formerly Invitae), Labcorp
Classification: Uncertain significance for Joubert syndrome; Meckel-Gruber syndrome. Last evaluated: 2021-09-01. Review status: criteria provided, single submitter. Criteria: Invitae Variant Classification Sherloc (09022015). Collection method: clinical testing. Allele origin: germline.
Comment: This sequence change replaces isoleucine with threonine at codon 1153 of the CC2D2A protein (p.Ile1153Thr). The isoleucine residue is highly conserved and there is a moderate physicochemical difference between isoleucine and threonine. This variant is not present in population databases (ExAC no frequency). This variant has not been reported in the literature in individuals affected with CC2D2A-related conditions. Advanced modeling of protein sequence and biophysical properties (such as structural, functional, and spatial information, amino acid conservation, physicochemical variation, residue mobility, and thermodynamic stability) performed at Invitae indicates that this missense variant is expected to disrupt CC2D2A protein function. In summary, the available evidence is currently insufficient to determine the role of this variant in disease. Therefore, it has been classified as a Variant of Uncertain Significance.

GeneDx
Classification: Likely pathogenic. Last evaluated: 2021-03-10. Review status: criteria provided, single submitter. Criteria: GeneDx Variant Classification Process June 2021. Collection method: clinical testing. Allele origin: germline. Affected: yes.
Comment: Not observed at a significant frequency in large population cohorts (Lek et al., 2016); In silico analysis supports that this missense variant has a deleterious effect on protein structure/function; Has not been previously published as pathogenic or benign to our knowledge